The following is an entry in ClinVar:

NM_001329.4(CTBP2):c.58+11874G>A

Gene: CTBP2 (C-terminal binding protein 2; minus strand). Cytogenetic location: 10q26.13.
Variant type: single nucleotide variant.
Coding change: c.58+11874G>A on transcript NM_001329.4 (MANE Select); 11874 bases into the intron after coding-DNA position 58, G replaced by A.
Molecular consequence: intron variant. On other transcripts: missense variant (1).
Genome position (GRCh38, 1-based): chr10:125,027,123, C>T on the plus strand (G>A on the coding strand, the complement: CTBP2 is on the minus strand). VCF-style: chr10-125027123-C-T. GRCh37 (hg19) VCF-style: chr10-126715692-C-T.
Other names: c.637G>A, p.Asp213Asn (NM_022802.3); c.58+11874G>A (NM_001083914.3, NM_001290214.3, NM_001321012.2 and 3 more transcripts); short protein forms D213N.
Identifiers: ClinVar variation 3060633 (VCV003060633.2), dbSNP rs3781408, ClinGen allele CA5736471.
Genomic context (GRCh38, chr10:125,027,123, plus strand): 5'-CCAGGCACGTCGGGGCCACCTGTCTGGCAGGGGCAGGGTCAATGGGTCTTTCGCTGATGT[C>T]GCTGAAGACCTGGCTGAGGGGGTAGGCAGGCACCTCCGCCCCATACCTGGTGTCGGGCTG-3'

ClinVar aggregate classification (germline): Benign (0 of 4 stars; one submission).

Conditions:
CTBP2-related disorder. Also called: CTBP2-related condition.

Allele frequency attached by ClinVar (database versions not stated): gnomAD exomes 0.05133; ExAC 0.05448; TOPMed 0.05839; gnomAD 0.05898; 1000 Genomes Project 30x 0.05934; 1000 Genomes Project 0.06030; ESP Exome Variant Server 0.06082.
gnomAD v4.1: 83,805 of 1,604,770 alleles (5.2%); highest among the groups gnomAD compares: African/African-American, 7.9%; 2,338 homozygotes.

Submission:

PreventionGenetics, part of Exact Sciences
Classification: Benign for CTBP2-related condition. Last evaluated: 2019-10-21. Review status: no assertion criteria provided. Collection method: clinical testing. Allele origin: germline.
Comment: This variant is classified as benign based on ACMG/AMP sequence variant interpretation guidelines (Richards et al. 2015 PMID: 25741868, with internal and published modifications).